The following is an entry in ClinVar:

NM_001252024.2(TRPM1):c.4199C>T (p.Ser1400Phe)

Gene: TRPM1 (transient receptor potential cation channel subfamily M member 1; minus strand). Cytogenetic location: 15q13.3.
Variant type: single nucleotide variant.
Coding change: c.4199C>T on transcript NM_001252024.2 (MANE Select); coding-DNA position 4199, C replaced by T.
Protein change: p.Ser1400Phe; replaces serine 1400 with phenylalanine.
Molecular consequence: missense variant.
Genome position (GRCh38, 1-based): chr15:31,002,501, G>A on the plus strand (C>T on the coding strand, the complement: TRPM1 is on the minus strand). VCF-style: chr15-31002501-G-A. GRCh37 (hg19) VCF-style: chr15-31294704-G-A.
Other names: c.4250C>T, p.Ser1417Phe (NM_001252020.2); c.4133C>T, p.Ser1378Phe (NM_002420.6); short protein forms S1417F, S1400F, S1378F.
Identifiers: ClinVar variation 954050 (VCV000954050.10), dbSNP rs2031817709, ClinGen allele CA391527197.
Genomic context (GRCh38, chr15:31,002,501, plus strand): 5'-GTGTTTTGAACATCTGATTTGTCCTGTCCATGTATCACATCTGTTTTATTTAAACTTGGG[G>A]AAATAGTTTCTTCTTTTTTAGAGTCTGTCTGTCTTTCATCATCTTCCTTTGAAATCCCAA-3'
Protein context (NP_001238953.1, residues 1390-1410): QTDSKKEETI[Ser1400Phe]PSLNKTDVIH

ClinVar aggregate classification (germline): Uncertain significance. Review status: criteria provided, multiple submitters, no conflicts (2 of 4 stars). 2 submissions from 2 submitters: Uncertain significance (2). Last evaluated 2022-06-04.

Allele frequency attached by ClinVar (database versions not stated): gnomAD exomes below 0.00001.
gnomAD v4.1: 4 of 1,614,122 alleles (0.00025%); highest among the groups gnomAD compares: Non-Finnish European, 0.000085%; no homozygotes.

Submissions (2):

Labcorp Genetics (formerly Invitae), Labcorp
Classification: Uncertain significance. Last evaluated: 2022-06-04. Review status: criteria provided, single submitter. Criteria: Invitae Variant Classification Sherloc (09022015). Collection method: clinical testing. Allele origin: germline.
Comment: Algorithms developed to predict the effect of missense changes on protein structure and function output the following: SIFT: "Deleterious"; PolyPhen-2: "Benign"; Align-GVGD: "Class C0". The phenylalanine amino acid residue is found in multiple mammalian species, which suggests that this missense change does not adversely affect protein function. ClinVar contains an entry for this variant (Variation ID: 954050). This variant has not been reported in the literature in individuals affected with TRPM1-related conditions. This variant is not present in population databases (gnomAD no frequency). This sequence change replaces serine, which is neutral and polar, with phenylalanine, which is neutral and non-polar, at codon 1378 of the TRPM1 protein (p.Ser1378Phe). In summary, the available evidence is currently insufficient to determine the role of this variant in disease. Therefore, it has been classified as a Variant of Uncertain Significance.

Blueprint Genetics
Classification: Uncertain significance. Last evaluated: 2019-11-12. Review status: criteria provided, single submitter. Criteria: ACMG Guidelines, 2015. Collection method: clinical testing. Allele origin: germline.